The following is an entry in ClinVar:

ClinVar aggregate classification (germline): Uncertain significance (1 of 4 stars; one submission).

Conditions:
Glycogen storage disease, type IV (GSD4). Also called: AMYLOPECTINOSIS; ANDERSEN DISEASE; BRANCHER DEFICIENCY; CIRRHOSIS, FAMILIAL, WITH DEPOSITION OF ABNORMAL GLYCOGEN; GBE1 DEFICIENCY; GLYCOGEN BRANCHING ENZYME DEFICIENCY. Identifiers: Orphanet 367, MedGen C0017923, MONDO:0009292, OMIM 232500.

Submission:

Cellular and Molecular Research Center, Cellular and Molecular Medicine Research Institute,, Urmia University of Medical Sciences
Classification: Uncertain significance for Glycogen storage disease, type IV. Last evaluated: 2026-10-17. Review status: criteria provided, single submitter. Criteria: ACMG Guidelines, 2015. Collection method: clinical testing. Allele origin: germline. Inheritance: Autosomal recessive inheritance. Affected: yes. Observed: 1 variant allele, 1 compound heterozygote.
Comment: The GBE1 gene encodes glycogen branching enzyme 1, which is essential for normal glycogen synthesis. It creates α-1,6 branches in glycogen molecules, making glycogen compact and soluble. The first disease associated with GBE1 deficiency was glycogen storage disease type IV (GSD IV; Andersen disease; OMIM: 232500). The variant c.1589T>C is a single-nucleotide substitution in which thymine (T), a pyrimidine, is replaced by cytosine (C), also a pyrimidine. It is therefore a pyrimidine-to-pyrimidine transition. Since nucleotide 1589 is the second base of codon 530, this substitution is expected to cause a missense change in the GBE1 protein. However, I could not independently verify the exact protein-level HGVS consequence or find a published clinical or functional report specifically documenting this variant. Pathogenic GBE1 variants generally cause disease through loss of glycogen branching enzyme activity, leading to abnormal glycogen formation and polyglucosan accumulation. Nevertheless, this general mechanism does not establish the pathogenicity of c.1589T>C specifically; its classification requires variant-specific evidence, such as segregation, population frequency and functional studies.

Literature cited by the submitters: PubMed 30345254.

NM_000158.4(GBE1):c.1589T>C (p.Leu530Pro)

Gene: GBE1 (1,4-alpha-glucan branching enzyme 1; minus strand). Cytogenetic location: 3p12.2.
Variant type: single nucleotide variant.
Coding change: c.1589T>C on transcript NM_000158.4 (MANE Select); coding-DNA position 1589, T replaced by C.
Protein change: p.Leu530Pro; replaces leucine 530 with proline.
Molecular consequence: missense variant.
Genome position (GRCh38, 1-based): chr3:81,577,954, A>G on the plus strand (T>C on the coding strand, the complement: GBE1 is on the minus strand). VCF-style: chr3-81577954-A-G. GRCh37 (hg19) VCF-style: chr3-81627105-A-G.
Other names: short protein forms L530P.
Identifiers: ClinVar variation 5043356 (VCV005043356.1).